The following is an entry in ClinVar:

NM_001079866.2(BCS1L):c.917G>A (p.Arg306His)

Gene: BCS1L (BCS1 ubiquinol-cytochrome c reductase complex chaperone; plus strand). Cytogenetic location: 2q35.
Variant type: single nucleotide variant.
Coding change: c.917G>A on transcript NM_001079866.2 (MANE Select); coding-DNA position 917, G replaced by A.
Protein change: p.Arg306His; replaces arginine 306 with histidine.
Molecular consequence: missense variant. On other transcripts: non-coding transcript variant (1).
Genome position (GRCh38, 1-based): chr2:218,662,910, G>A. VCF-style: chr2-218662910-G-A. GRCh37 (hg19) VCF-style: chr2-219527633-G-A.
Other names: c.917G>A, p.Arg306His (NM_001257342.2, NM_001257343.2, NM_001257344.2 and 10 more transcripts); c.557G>A, p.Arg186His (NM_001318836.2, NM_001371451.1); c.416G>A, p.Arg139His (NM_001371452.1, NM_001371453.1, NM_001371454.1 and 3 more transcripts); short protein forms R139H, R186H, R306H.
Identifiers: ClinVar variation 1071417 (VCV001071417.17), dbSNP rs1280810181, ClinGen allele CA350630753.
Genomic context (GRCh38, chr2:218,662,910, plus strand): 5'-TACTCATGCTTCCTTATCTTTGCCTTCCTCCAGACCCAGTAAAGTACCAAGGCCTAGGTC[G>A]CCTCACCTTCAGTGGACTGCTCAATGCCTTGGATGGTGTGGCTTCCACCGAGGCCCGCAT-3'
Protein context (NP_001073335.1, residues 296-316): ENPVKYQGLG[Arg306His]LTFSGLLNAL

ClinVar aggregate classification (germline): Pathogenic/Likely pathogenic. Review status: criteria provided, multiple submitters, no conflicts (2 of 4 stars). 5 submissions from 5 submitters: Pathogenic (3); Likely pathogenic (2). Last evaluated 2025-01-23.

Conditions:
BCS1L-related disorder. Also called: BCS1L-related disorders; BCS1L-related condition. Identifiers: MedGen CN239240.
GRACILE syndrome (FLNMS). Also called: FELLMAN SYNDROME; FINNISH LETHAL NEONATAL METABOLIC SYNDROME. Identifiers: Orphanet 53693, MedGen C1864002, MONDO:0011308, OMIM 603358.
Mitochondrial complex III deficiency nuclear type 1. Identifiers: Orphanet 254902, MedGen C3541471, MONDO:0007415, OMIM 124000.
Pili torti-deafness syndrome (BJS). Also called: PILI TORTI AND NERVE DEAFNESS; Bjornstad syndrome. Identifiers: Orphanet 123, MedGen C0266006, MONDO:0009872, OMIM 262000.

Allele frequency attached by ClinVar (database versions not stated): gnomAD 0.00001; gnomAD exomes 0.00001; TOPMed 0.00002.

Submissions (5):

Labcorp Genetics (formerly Invitae), Labcorp
Classification: Pathogenic. Last evaluated: 2025-01-23. Review status: criteria provided, single submitter. Criteria: Invitae Variant Classification Sherloc (09022015). Collection method: clinical testing. Allele origin: germline.
Comment: This sequence change replaces arginine, which is basic and polar, with histidine, which is basic and polar, at codon 306 of the BCS1L protein (p.Arg306His). This variant is not present in population databases (gnomAD no frequency). This missense change has been observed in individual(s) with Björnstad syndrome (PMID: 17314340, 28105683). In at least one individual the data is consistent with being in trans (on the opposite chromosome) from a pathogenic variant. It has also been observed to segregate with disease in related individuals. ClinVar contains an entry for this variant (Variation ID: 1071417). Invitae Evidence Modeling of protein sequence and biophysical properties (such as structural, functional, and spatial information, amino acid conservation, physicochemical variation, residue mobility, and thermodynamic stability) has been performed for this missense variant. However, the output from this modeling did not meet the statistical confidence thresholds required to predict the impact of this variant on BCS1L protein function. Experimental studies have shown that this missense change affects BCS1L function (PMID: 17314340). For these reasons, this variant has been classified as Pathogenic.

Blueprint Genetics
Classification: Pathogenic for BCS1L-related disorders. Last evaluated: 2024-06-03. Review status: criteria provided, single submitter. Criteria: ACMG Guidelines, 2015. Collection method: clinical testing. Allele origin: germline. Affected: yes. Observed: 2 variant alleles.

Fulgent Genetics
Classification: Likely pathogenic for Mitochondrial complex III deficiency nuclear type 1; Pili torti-deafness syndrome; GRACILE syndrome. Last evaluated: 2024-02-23. Review status: criteria provided, single submitter. Criteria: ACMG Guidelines, 2015. Collection method: clinical testing. Allele origin: germline.

Baylor Genetics
Classification: Pathogenic for Pili torti-deafness syndrome. Last evaluated: 2024-01-31. Review status: criteria provided, single submitter. Criteria: ACMG Guidelines, 2015. Collection method: clinical testing. Allele origin: unknown.

Revvity Omics, Revvity
Classification: Likely pathogenic. Last evaluated: 2020-07-28. Review status: criteria provided, single submitter. Criteria: ACMG Guidelines, 2015. Collection method: clinical testing. Allele origin: germline.

Literature cited by the submitters: PubMed 17314340 (cited by Labcorp Genetics (formerly Invitae), Labcorp); PubMed 28105683 (cited by Labcorp Genetics (formerly Invitae), Labcorp).